The following is an entry in ClinVar:

ClinVar aggregate classification (germline): Uncertain significance (1 of 4 stars; one submission).

Submission:

Women's Health and Genetics/Laboratory Corporation of America, LabCorp
Classification: Uncertain significance. Last evaluated: 2025-06-11. Review status: criteria provided, single submitter. Criteria: LabCorp Variant Classification Summary - May 2015. Collection method: clinical testing. Allele origin: germline.
Comment: Variant summary: AR c.2291A>T (p.Tyr764Phe) results in a conservative amino acid change in the encoded protein sequence. Algorithms developed to predict the effect of missense changes on protein structure and function are either unavailable or do not agree on the potential impact of this missense change. The variant was absent in 182936 control chromosomes. The available data on variant occurrences in the general population are insufficient to allow any conclusion about variant significance. To our knowledge, no occurrence of c.2291A>T in individuals affected with Androgen Resistance Syndrome and no experimental evidence demonstrating its impact on protein function have been reported. No submitters have cited clinical-significance assessments for this variant to ClinVar. Based on the evidence outlined above, the variant was classified as uncertain significance.

NM_000044.6(AR):c.2291A>T (p.Tyr764Phe)

Gene: AR (androgen receptor; plus strand). Cytogenetic location: Xq12.
Variant type: single nucleotide variant.
Coding change: c.2291A>T on transcript NM_000044.6 (MANE Select); coding-DNA position 2291, A replaced by T.
Protein change: p.Tyr764Phe; replaces tyrosine 764 with phenylalanine.
Molecular consequence: missense variant.
Genome position (GRCh38, 1-based): chrX:67,717,595, A>T. VCF-style: chrX-67717595-A-T. GRCh37 (hg19) VCF-style: chrX-66937437-A-T.
Other names: c.695A>T, p.Tyr232Phe (NM_001011645.3); short protein forms Y232F, Y764F.
Identifiers: ClinVar variation 3907188 (VCV003907188.1).